The following is an entry in ClinVar:

ClinVar aggregate classification (germline): Uncertain significance (1 of 4 stars; one submission).

Conditions:
Gorlin syndrome. Also called: Nevoid Basal Cell Carcinoma Syndrome; Basal cell nevus syndrome. Identifiers: Orphanet 377, MedGen C0004779, MONDO:0007187.
Medulloblastoma (MDB). Also called: MEDULLOBLASTOMA PREDISPOSITION SYNDROME; Medulloblastoma, somatic. Identifiers: Orphanet 616, MedGen C0025149, MeSH D008527, MONDO:0007959, OMIM 155255, HP:0002885.

Submission:

Labcorp Genetics (formerly Invitae), Labcorp
Classification: Uncertain significance for Gorlin syndrome; Medulloblastoma. Last evaluated: 2023-10-16. Review status: criteria provided, single submitter. Criteria: Invitae Variant Classification Sherloc (09022015). Collection method: clinical testing. Allele origin: germline.
Comment: This sequence change replaces valine, which is neutral and non-polar, with isoleucine, which is neutral and non-polar, at codon 58 of the SUFU protein (p.Val58Ile). This variant is not present in population databases (gnomAD no frequency). This variant has not been reported in the literature in individuals affected with SUFU-related conditions. ClinVar contains an entry for this variant (Variation ID: 1719878). Advanced modeling of protein sequence and biophysical properties (such as structural, functional, and spatial information, amino acid conservation, physicochemical variation, residue mobility, and thermodynamic stability) performed at Invitae indicates that this missense variant is not expected to disrupt SUFU protein function. In summary, the available evidence is currently insufficient to determine the role of this variant in disease. Therefore, it has been classified as a Variant of Uncertain Significance.

NM_016169.4(SUFU):c.172G>A (p.Val58Ile)

Gene: SUFU (SUFU negative regulator of hedgehog signaling; plus strand). Cytogenetic location: 10q24.32.
Variant type: single nucleotide variant.
Coding change: c.172G>A on transcript NM_016169.4 (MANE Select); coding-DNA position 172, G replaced by A.
Protein change: p.Val58Ile; replaces valine 58 with isoleucine.
Molecular consequence: missense variant.
Genome position (GRCh38, 1-based): chr10:102,504,324, G>A. VCF-style: chr10-102504324-G-A. GRCh37 (hg19) VCF-style: chr10-104264081-G-A.
Other names: c.172G>A, p.Val58Ile (NM_001178133.2); short protein forms V58I.
Identifiers: ClinVar variation 1719878 (VCV001719878.6), dbSNP rs766897671, ClinGen allele CA377886750.